The following is an entry in ClinVar:

ClinVar aggregate classification (germline): Uncertain significance (1 of 4 stars; one submission).

Submission:

Labcorp Genetics (formerly Invitae), Labcorp
Classification: Uncertain significance. Last evaluated: 2022-03-06. Review status: criteria provided, single submitter. Criteria: Invitae Variant Classification Sherloc (09022015). Collection method: clinical testing. Allele origin: germline.
Comment: This sequence change replaces valine, which is neutral and non-polar, with alanine, which is neutral and non-polar, at codon 723 of the REST protein (p.Val723Ala). This variant is not present in population databases (gnomAD no frequency). This variant has not been reported in the literature in individuals affected with REST-related conditions. Algorithms developed to predict the effect of missense changes on protein structure and function (SIFT, PolyPhen-2, Align-GVGD) all suggest that this variant is likely to be tolerated. In summary, the available evidence is currently insufficient to determine the role of this variant in disease. Therefore, it has been classified as a Variant of Uncertain Significance.

NM_005612.5(REST):c.2168T>C (p.Val723Ala)

Gene: REST (RE1 silencing transcription factor; plus strand). Cytogenetic location: 4q12.
Variant type: single nucleotide variant.
Coding change: c.2168T>C on transcript NM_005612.5 (MANE Select); coding-DNA position 2168, T replaced by C.
Protein change: p.Val723Ala; replaces valine 723 with alanine.
Molecular consequence: missense variant.
Genome position (GRCh38, 1-based): chr4:56,931,026, T>C. VCF-style: chr4-56931026-T-C. GRCh37 (hg19) VCF-style: chr4-57797192-T-C.
Other names: c.2168T>C, p.Val723Ala (NM_001193508.2, NM_001363453.3); short protein forms V723A.
Identifiers: ClinVar variation 1967158 (VCV001967158.5), dbSNP rs2475852117, ClinGen allele CA357008224.